The following is an entry in ClinVar:

ClinVar aggregate classification (germline): Conflicting classifications of pathogenicity. Review status: criteria provided, conflicting classifications (1 of 4 stars). 9 submissions from 9 submitters: Likely pathogenic (1); Uncertain significance (6). 2 of the submissions do not count toward it. Last evaluated 2026-03-19.

Conditions:
Hereditary cancer-predisposing syndrome. Also called: Hereditary Cancer Syndrome; Tumor predisposition; Neoplastic Syndromes, Hereditary; Hereditary neoplastic syndrome. Identifiers: Orphanet 140162, MedGen C0027672, MeSH D009386, MONDO:0015356.
Familial cancer of breast. Also called: hereditary breast carcinoma; BREAST CANCER, FAMILIAL; Hereditary breast cancer. Identifiers: Orphanet 227535, MedGen C0346153, MONDO:0016419, OMIM 114480. Disease mechanism: loss of function.
Ataxia-telangiectasia syndrome (AT). Also called: ATAXIA-TELANGIECTASIA, COMPLEMENTATION GROUP A; ATAXIA-TELANGIECTASIA, FRESNO VARIANT; Ataxia-telangiectasia; Ataxia-telangiectasia, complementation group E; Cerebello-oculocutaneous telangiectasia; Immunodeficiency with ataxia telangiectasia. Identifiers: Orphanet 100, MedGen C0004135, MONDO:0008840, OMIM 208900.

Allele frequency attached by ClinVar (database versions not stated): gnomAD exomes 0.00001 and below 0.00001; TOPMed 0.00002; gnomAD 0.00001.
gnomAD v4.1: 16 of 1,606,236 alleles (0.001%); highest among the groups gnomAD compares: Non-Finnish European, 0.0014%; no homozygotes.

Submissions (9):

GeneDx
Classification: Uncertain significance. Last evaluated: 2026-03-19. Review status: criteria provided, single submitter. Criteria: GeneDx Variant Classification Process June 2021. Collection method: clinical testing. Allele origin: germline. Affected: yes.
Comment: Canonical splice site variant demonstrated to result in a partial splicing defect leading to multiple transcripts, a majority of which are full-length (PMID: 31843900); Identified in individuals with prostate cancer, melanoma, or osteosarcoma in published literature (PMID: 32694154, 34262154, 32191290); Not observed at significant frequency in large population cohorts (gnomAD); This variant is associated with the following publications: (PMID: 34262154, 23532176, 32694154, 32191290, 31843900)

Labcorp Genetics (formerly Invitae), Labcorp
Classification: Uncertain significance for Ataxia-telangiectasia syndrome. Last evaluated: 2025-10-20. Review status: criteria provided, single submitter. Criteria: Invitae Variant Classification Sherloc (09022015). Collection method: clinical testing. Allele origin: germline.
Comment: This sequence change affects a donor splice site in intron 51 of the ATM gene. It is expected to disrupt RNA splicing. Variants that disrupt the donor or acceptor splice site typically lead to a loss of protein function (PMID: 16199547), and loss-of-function variants in ATM are known to be pathogenic (PMID: 23807571, 25614872). This variant is present in population databases (rs786203059, gnomAD 0.0009%). Disruption of this splice site has been observed in individual(s) with a personal or family history of cancer (PMID: 31843900, 32694154, 34262154). ClinVar contains an entry for this variant (Variation ID: 186579). Studies have shown that disruption of this splice site is associated with altered splicing; however, the splicing effect is incomplete and of unknown impact on protein function (PMID: 31843900, external communication; internal data). In summary, the available evidence is currently insufficient to determine the role of this variant in disease. Therefore, it has been classified as a Variant of Uncertain Significance.

Ambry Genetics
Classification: Uncertain significance for Hereditary cancer-predisposing syndrome. Last evaluated: 2025-09-26. Review status: criteria provided, single submitter. Criteria: Ambry Variant Classification Scheme 2023. Collection method: clinical testing. Allele origin: germline.
Comment: The c.7629+2T>C intronic variant results from a T to C substitution two nucleotides after coding exon 50 in the ATM gene. This nucleotide position is highly conserved in available vertebrate species. In silico splice site analysis predicts that this alteration may weaken the native splice donor site and may result in the creation or strengthening of a novel splice donor site. Alterations that disrupt the canonical splice site are expected to cause aberrant splicing, resulting in an abnormal protein or a transcript that is subject to nonsense-mediated mRNA decay. However, +2T>C alterations are capable of generating wild-type transcripts in some genomic contexts and should be interpreted with caution (Lin JH et al. Hum Mutat. 2019 10;40:1856-1873). A published RNA study performed on a heterozygous carrier of this variant identified only 24% of the total transcripts as abnormal (Casadei S et al. Proc Natl Acad Sci U S A, 2019 Dec). This suggests that there may be some normal splicing associated with this variant. Internal RNA studies have also suggested that this alteration results in an incomplete splice defect; the clinical impact of this abnormal splicing is unknown at this time (Ambry internal data). Based on the available evidence, the clinical significance of this variant remains unclear.

Quest Diagnostics Nichols Institute San Juan Capistrano
Classification: Uncertain significance. Last evaluated: 2025-02-12. Review status: criteria provided, single submitter. Criteria: Quest Diagnostics criteria. Collection method: clinical testing. Allele origin: unknown.

Color Diagnostics, LLC DBA Color Health
Classification: Uncertain significance for Hereditary cancer-predisposing syndrome. Last evaluated: 2024-07-09. Review status: criteria provided, single submitter. Criteria: ACMG Guidelines, 2015. Collection method: clinical testing. Allele origin: germline.
Comment: This variant causes a T to C nucleotide substitution at the +2 position of intron 51 of the ATM gene, replacing a GT donor site with a GC donor site which may be functional (PMID: 31131953). An RNA study from patient-derived lymphoblasts carrying this variant showed 76% of transcripts were full length, 19% of transcripts had exon 51 skipping (partial in-frame deletion of the FAT domain) and 5% of transcripts used a cryptic donor site that caused a 4 base insertion and premature stop signal (PMID: 31843900). This suggests that the variant is hypomorphic and up to 50% of variant pre-mRNA could be spliced into full-length transcript. Additional RNA studies have reported similar results with an incomplete splice defect of unknown clinical consequence (ClinVar Accession: SCV000216973.9, SCV000826093.7). This variant has been reported in individuals affected with breast cancer (Color Health internal data; external communications), an individual affected with prostate cancer (PMID: 32694154), and an individual affected with melanoma (PMID: 34262154). In one suspected hereditary breast cancer family, three affected siblings carried this variant (PMID: 31843900, external communications). This variant has been identified in 1/248366 chromosomes in the general population by the Genome Aggregation Database (gnomAD). Although there is a suspicion that this variant may be associated with disease, additional studies are necessary to determine the role of this variant in disease and the influence of genetic background conclusively. Therefore, this variant is classified as a Variant of Uncertain Significance.

Baylor Genetics
Classification: Uncertain significance for Familial cancer of breast. Last evaluated: 2023-12-24. Review status: criteria provided, single submitter. Criteria: ACMG Guidelines, 2015. Collection method: clinical testing. Allele origin: unknown.

Fulgent Genetics
Classification: Likely pathogenic for Familial cancer of breast; Ataxia-telangiectasia syndrome. Last evaluated: 2018-10-31. Review status: criteria provided, single submitter. Criteria: ACMG Guidelines, 2015. Collection method: clinical testing. Allele origin: unknown.

Natera, Inc.
Classification: Likely pathogenic for Ataxia-telangiectasia. Last evaluated: 2020-09-16. Review status: no assertion criteria provided. Collection method: clinical testing. Allele origin: germline. Not counted in ClinVar's aggregate classification.

King Laboratory, University of Washington
Classification: Pathogenic for Familial cancer of breast. Last evaluated: 2019-09-01. Review status: no assertion criteria provided. Collection method: research. Allele origin: germline. Affected: yes. Not counted in ClinVar's aggregate classification.
Comment: Transcript analysis by cBROCA

Literature cited by the submitters: PubMed 16199547 (cited by Labcorp Genetics (formerly Invitae), Labcorp); PubMed 23807571 (cited by Labcorp Genetics (formerly Invitae), Labcorp); PubMed 25614872 (cited by Labcorp Genetics (formerly Invitae), Labcorp); PubMed 31843900 (cited by 4 submitters); PubMed 32694154 (cited by Labcorp Genetics (formerly Invitae), Labcorp and Color Diagnostics, LLC DBA Color Health); PubMed 34262154 (cited by Labcorp Genetics (formerly Invitae), Labcorp and Color Diagnostics, LLC DBA Color Health); PubMed 31131953 (cited by Color Diagnostics, LLC DBA Color Health).

NM_000051.4(ATM):c.7629+2T>C

Genes: C11orf65 (chromosome 11 open reading frame 65; minus strand), ATM (ATM serine/threonine kinase; plus strand). Cytogenetic location: 11q22.3.
Variant type: single nucleotide variant.
Coding change: c.7629+2T>C on transcript NM_000051.4 (MANE Select); the canonical splice donor site of the intron after coding-DNA position 7629, T replaced by C.
Molecular consequence: splice donor variant. On other transcripts: intron variant (2), non-coding transcript variant (1).
Genome position (GRCh38, 1-based): chr11:108,331,559, T>C. VCF-style: chr11-108331559-T-C. GRCh37 (hg19) VCF-style: chr11-108202286-T-C.
Other names: c.641-22488A>G (NM_001330368.2); c.*38+3661A>G (NM_001351110.2); c.7629+2T>C (NM_001351834.2).
Identifiers: ClinVar variation 186579 (VCV000186579.31), dbSNP rs786203059, ClinGen allele CA195221.
Genomic context (GRCh38, chr11:108,331,559, plus strand): 5'-CTGCTAGAATGGGGACCAAGATGATGGGAGGCCTAGGATTTCATGAAGTCCTCAATAATG[T>C]AAGTAAACCTGAAAATCAAACCACAATAATTATTTTTATTCTATTATTACTATATATTAT-3'